The following is an entry in ClinVar:

NM_001005273.3(CHD3):c.3055C>T (p.Leu1019Phe)

Gene: CHD3 (chromodomain helicase DNA binding protein 3; plus strand). Cytogenetic location: 17p13.1.
Variant type: single nucleotide variant.
Coding change: c.3055C>T on transcript NM_001005273.3 (MANE Select); coding-DNA position 3055, C replaced by T.
Protein change: p.Leu1019Phe; replaces leucine 1019 with phenylalanine.
Molecular consequence: missense variant.
Genome position (GRCh38, 1-based): chr17:7,900,928, C>T. VCF-style: chr17-7900928-C-T. GRCh37 (hg19) VCF-style: chr17-7804246-C-T.
Other names: c.3232C>T, p.Leu1078Phe (NM_001005271.3); c.3055C>T, p.Leu1019Phe (NM_005852.4); short protein forms L1019F, L1078F.
Identifiers: ClinVar variation 3769939 (VCV003769939.1).

ClinVar aggregate classification (germline): Uncertain significance (1 of 4 stars; one submission).

Submission:

GeneDx
Classification: Uncertain significance. Last evaluated: 2024-09-11. Review status: criteria provided, single submitter. Criteria: GeneDx Variant Classification Process June 2021. Collection method: clinical testing. Allele origin: germline. Affected: yes.
Comment: Not observed at significant frequency in large population cohorts (gnomAD); In silico analysis supports that this missense variant has a deleterious effect on protein structure/function; Has not been previously published as pathogenic or benign to our knowledge